The following is an entry in ClinVar:

NM_000374.5(UROD):c.*72G>A

Gene: UROD (uroporphyrinogen decarboxylase; plus strand). Cytogenetic location: 1p34.1.
Variant type: single nucleotide variant.
Coding change: c.*72G>A on transcript NM_000374.5 (MANE Select); 72 bases downstream of the stop codon, G replaced by A.
Molecular consequence: 3 prime UTR variant. On other transcripts: non-coding transcript variant (3).
Genome position (GRCh38, 1-based): chr1:45,015,570, G>A. VCF-style: chr1-45015570-G-A. GRCh37 (hg19) VCF-style: chr1-45481242-G-A.
Other names: c.*72G>A (NM_000374.4).
Identifiers: ClinVar variation 4972203 (VCV004972203.2).

ClinVar aggregate classification (germline): Likely benign. Review status: criteria provided, multiple submitters, no conflicts (2 of 4 stars). 2 submissions from 2 submitters: Likely benign (2). Last evaluated 2025-01-29.

Conditions:
UROD-related disorder. Also called: UROD-related condition; UROD-related disorders.

gnomAD v4.1: 501 of 1,610,412 alleles (0.031%); highest among the groups gnomAD compares: African/African-American, 0.58%; 4 homozygotes.

Submissions (2):

PreventionGenetics, part of Exact Sciences
Classification: Likely benign for UROD-related condition. Last evaluated: 2025-01-29. Review status: criteria provided, single submitter. Criteria: ACMG Guidelines, 2015. Collection method: clinical testing. Allele origin: germline.
Comment: This variant is classified as likely benign based on ACMG/AMP sequence variant interpretation guidelines (Richards et al. 2015 PMID: 25741868, with internal and published modifications).

Blueprint Genetics
Classification: Likely benign. Last evaluated: 2024-10-09. Review status: criteria provided, single submitter. Criteria: ACMG Guidelines, 2015. Collection method: clinical testing. Allele origin: germline.